The following is an entry in ClinVar:

NM_005751.5(AKAP9):c.1265T>C (p.Met422Thr)

Gene: AKAP9 (A-kinase anchoring protein 9; plus strand). Cytogenetic location: 7q21.2.
Variant type: single nucleotide variant.
Coding change: c.1265T>C on transcript NM_005751.5 (MANE Select); coding-DNA position 1265, T replaced by C.
Protein change: p.Met422Thr; replaces methionine 422 with threonine.
Molecular consequence: missense variant.
Genome position (GRCh38, 1-based): chr7:92,001,182, T>C. VCF-style: chr7-92001182-T-C. GRCh37 (hg19) VCF-style: chr7-91630496-T-C.
Other names: c.1265T>C, p.Met422Thr (NM_147185.3); short protein forms M422T.
Identifiers: ClinVar variation 2816772 (VCV002816772.3), dbSNP rs2484689462, ClinGen allele CA368121383.

ClinVar aggregate classification (germline): Uncertain significance (1 of 4 stars; one submission).

Conditions:
Long QT syndrome (LQTS). Identifiers: MedGen C0023976, MeSH D008133, MONDO:0002442. Disease mechanism: loss of function. Inheritance: Various modes of inheritance.

Submission:

Labcorp Genetics (formerly Invitae), Labcorp
Classification: Uncertain significance for Long QT syndrome. Last evaluated: 2022-11-26. Review status: criteria provided, single submitter. Criteria: Invitae Variant Classification Sherloc (09022015). Collection method: clinical testing. Allele origin: germline.
Comment: In summary, the available evidence is currently insufficient to determine the role of this variant in disease. Therefore, it has been classified as a Variant of Uncertain Significance. Algorithms developed to predict the effect of missense changes on protein structure and function are either unavailable or do not agree on the potential impact of this missense change (SIFT: "Deleterious"; PolyPhen-2: "Benign"; Align-GVGD: "Class C0"). This variant has not been reported in the literature in individuals affected with AKAP9-related conditions. This variant is not present in population databases (gnomAD no frequency). This sequence change replaces methionine, which is neutral and non-polar, with threonine, which is neutral and polar, at codon 422 of the AKAP9 protein (p.Met422Thr).